The following is an entry in ClinVar:

NM_024616.3(C3orf52):c.467+1G>A

Gene: C3orf52 (chromosome 3 open reading frame 52; plus strand). Cytogenetic location: 3q13.2.
Variant type: single nucleotide variant.
Coding change: c.467+1G>A on transcript NM_024616.3 (MANE Select); the canonical splice donor site of the intron after coding-DNA position 467, G replaced by A.
Molecular consequence: splice donor variant. On other transcripts: intron variant (1).
Genome position (GRCh38, 1-based): chr3:112,109,614, G>A. VCF-style: chr3-112109614-G-A. GRCh37 (hg19) VCF-style: chr3-111828461-G-A.
Other names: c.396+6649G>A (NM_001171747.2).
Identifiers: ClinVar variation 2654030 (VCV002654030.24), dbSNP rs2074058470, ClinGen allele CA353710035.

ClinVar aggregate classification (germline): Uncertain significance (1 of 4 stars; one submission).

Submission:

CeGaT Center for Human Genetics Tuebingen
Classification: Uncertain significance. Last evaluated: 2023-01-01. Review status: criteria provided, single submitter. Criteria: CeGaT Center For Human Genetics Tuebingen Variant Classification Criteria Version 2. Collection method: clinical testing. Allele origin: germline. Affected: yes. Observed: 1 variant allele.
Comment: C3orf52: PM2